The following is an entry in ClinVar:

NM_006206.6(PDGFRA):c.-13+5077T>C

Gene: PDGFRA (platelet derived growth factor receptor alpha; plus strand). Cytogenetic location: 4q12.
Variant type: single nucleotide variant.
Coding change: c.-13+5077T>C on transcript NM_006206.6 (MANE Select); 5077 bases into the intron after 13 bases upstream of the start codon, T replaced by C.
Molecular consequence: intron variant. On other transcripts: synonymous variant (1).
Genome position (GRCh38, 1-based): chr4:54,234,492, T>C. VCF-style: chr4-54234492-T-C. GRCh37 (hg19) VCF-style: chr4-55100659-T-C.
Other names: c.21T>C, p.Ile7= (NM_001347830.2); c.-16+5077T>C (NM_001347828.2); c.-13+5077T>C (NM_001347827.2); c.-13+1049T>C (NM_001347829.2).
Identifiers: ClinVar variation 4986181 (VCV004986181.1).

ClinVar aggregate classification (germline): Likely benign (1 of 4 stars; one submission).

Conditions:
PDGFRA-related disorder. Also called: PDGFRA-related condition.

gnomAD v4.1: 1 of 152,182 alleles (0.00066%); highest among the groups gnomAD compares: Non-Finnish European, 0.0015%; no homozygotes.

Submission:

PreventionGenetics, part of Exact Sciences
Classification: Likely benign for PDGFRA-related condition. Last evaluated: 2025-03-30. Review status: criteria provided, single submitter. Criteria: ACMG Guidelines, 2015. Collection method: clinical testing. Allele origin: germline.
Comment: This variant is classified as likely benign based on ACMG/AMP sequence variant interpretation guidelines (Richards et al. 2015 PMID: 25741868, with internal and published modifications).